The following is an entry in ClinVar:

ClinVar aggregate classification (germline): Benign. Review status: criteria provided, single submitter (1 of 4 stars). 2 submissions from 2 submitters: Benign (1). 1 of the submissions does not count toward it. Last evaluated 2026-09-01.

Conditions:
PAK1-related disorder. Also called: PAK1-related condition.

Submissions (2):

CeGaT Center for Human Genetics Tuebingen
Classification: Benign. Last evaluated: 2026-09-01. Review status: criteria provided, single submitter. Criteria: CeGaT Center For Human Genetics Tuebingen Variant Classification Criteria Version 2. Collection method: clinical testing. Allele origin: germline. Affected: yes. Observed: 14 variant alleles.
Comment: PAK1: BS1, BS2

PreventionGenetics, part of Exact Sciences
Classification: Likely benign for PAK1-related condition. Last evaluated: 2019-04-16. Review status: no assertion criteria provided. Collection method: clinical testing. Allele origin: germline. Not counted in ClinVar's aggregate classification.
Comment: This variant is classified as likely benign based on ACMG/AMP sequence variant interpretation guidelines (Richards et al. 2015 PMID: 25741868, with internal and published modifications).

NM_002576.5(PAK1):c.533ATG[7] (p.Asp183_Ala184insAsp)

Gene: PAK1 (p21 (RAC1) activated kinase 1; minus strand). Cytogenetic location: 11q13.5.
Variant type: Microsatellite.
Coding change: c.533ATG[7] on transcript NM_002576.5 (MANE Select); seven copies in a row of the 3-base unit ATG starting at c.533; the reference has six copies in a row; one copy, 3 bases duplicated.
Protein change: p.Asp183_Ala184insAsp.
Molecular consequence: inframe insertion. On other transcripts: non-coding transcript variant (2).
Genome position (GRCh38, 1-based): chr11:77,358,945-77,358,947, CAT duplicated on the plus strand (ATG on the coding strand, the reverse complement: PAK1 is on the minus strand); duplicating any 3 consecutive bases within chr11:77,358,945-77,358,963 gives the same sequence; the position shown is the placement nearest the transcript's 3' end. VCF-style (leftmost placement, unchanged base first): chr11-77358944-G-GCAT. GRCh37 (hg19) VCF-style: chr11-77069989-G-GCAT.
Other names: c.533ATG[7], p.Asp183_Ala184insAsp (NM_001376273.1, NM_001376274.1, NM_001376275.1 and 26 more transcripts); c.284ATG[7], p.Asp100_Ala101insAsp (NM_001376301.1); c.239ATG[7], p.Asp85_Ala86insAsp (NM_001376302.1, NM_001376304.1, NM_001376305.1); c.554ATG[7], p.Asp190_Ala191insAsp (NM_001376272.1); c.548_550dupATG (NM_001128620.1).
Identifiers: ClinVar variation 2642187 (VCV002642187.25), dbSNP rs149665907, ClinGen allele CA6200087.
Genomic context (GRCh38, chr11:77,358,944, plus strand): 5'-CCCCAAAGACTCACAGATTTTGTGTGCTCTGGGCGTGGAGCAATCACTGGTGGTGGGGTA[G>GCAT]CATCATCATCATCATCATCCTCATCTTCTGAAACTGGTGGCACTGCAGGAGTCTCAGACA-3'